The following is an entry in ClinVar:

NM_000057.4(BLM):c.317C>A (p.Ser106Ter)

Gene: BLM (BLM RecQ like helicase; plus strand). Cytogenetic location: 15q26.1.
Variant type: single nucleotide variant.
Coding change: c.317C>A on transcript NM_000057.4 (MANE Select); coding-DNA position 317, C replaced by A.
Protein change: p.Ser106Ter; replaces serine 106 with a stop codon.
Molecular consequence: nonsense. On other transcripts: 5 prime UTR variant (1).
Genome position (GRCh38, 1-based): chr15:90,749,585, C>A. VCF-style: chr15-90749585-C-A. GRCh37 (hg19) VCF-style: chr15-91292815-C-A.
Other names: c.317C>A, p.Ser106Ter (NM_001287246.2, NM_001287247.2); c.-975C>A (NM_001287248.2); short protein forms S106*.
Identifiers: ClinVar variation 4710205 (VCV004710205.2).

ClinVar aggregate classification (germline): Pathogenic/Likely pathogenic. Review status: criteria provided, multiple submitters, no conflicts (2 of 4 stars). 2 submissions from 2 submitters: Pathogenic (1); Likely pathogenic (1). Last evaluated 2025-02-06.

Conditions:
Bloom syndrome (BLM). Also called: Bloom-Torre-Machacek syndrome. Identifiers: Orphanet 125, MedGen C0005859, MONDO:0008876, OMIM 210900.
BLM-related disorder. Also called: BLM-related condition.

Submissions (2):

Labcorp Genetics (formerly Invitae), Labcorp
Classification: Pathogenic for Bloom syndrome. Last evaluated: 2025-02-06. Review status: criteria provided, single submitter. Criteria: Invitae Variant Classification Sherloc (09022015). Collection method: clinical testing. Allele origin: germline.
Comment: This sequence change creates a premature translational stop signal (p.Ser106*) in the BLM gene. It is expected to result in an absent or disrupted protein product. Loss-of-function variants in BLM are known to be pathogenic (PMID: 17407155). This variant is not present in population databases (gnomAD no frequency). This variant has not been reported in the literature in individuals affected with BLM-related conditions. For these reasons, this variant has been classified as Pathogenic.

Blueprint Genetics
Classification: Likely pathogenic for BLM-related disorders. Last evaluated: 2023-02-27. Review status: criteria provided, single submitter. Criteria: ACMG Guidelines, 2015. Collection method: clinical testing. Allele origin: germline. Affected: yes. Observed: 1 variant allele.

Literature cited by the submitters: PubMed 17407155 (cited by Labcorp Genetics (formerly Invitae), Labcorp).